The following is an entry in ClinVar:

ClinVar aggregate classification (germline): Uncertain significance (1 of 4 stars; one submission).

Conditions:
Microcephaly, normal intelligence and immunodeficiency (NBS). Also called: Immunodeficiency, microcephaly with normal intelligence; Ataxia telangiectasia variant V1; IMMUNODEFICIENCY, MICROCEPHALY, AND CHROMOSOMAL INSTABILITY; BERLIN BREAKAGE SYNDROME; SEEMANOVA SYNDROME II; Nijmegen breakage syndrome. Identifiers: Orphanet 647, MedGen C0398791, MONDO:0009623, OMIM 251260.

Submission:

Labcorp Genetics (formerly Invitae), Labcorp
Classification: Uncertain significance for Microcephaly, normal intelligence and immunodeficiency. Last evaluated: 2023-05-22. Review status: criteria provided, single submitter. Criteria: Invitae Variant Classification Sherloc (09022015). Collection method: clinical testing. Allele origin: germline.
Comment: This sequence change replaces histidine, which is basic and polar, with tyrosine, which is neutral and polar, at codon 507 of the NBN protein (p.His507Tyr). This variant is not present in population databases (gnomAD no frequency). This variant has not been reported in the literature in individuals affected with NBN-related conditions. ClinVar contains an entry for this variant (Variation ID: 530737). An algorithm developed to predict the effect of missense changes on protein structure and function (PolyPhen-2) suggests that this variant is likely to be tolerated. In summary, the available evidence is currently insufficient to determine the role of this variant in disease. Therefore, it has been classified as a Variant of Uncertain Significance.

NM_002485.5(NBN):c.1519C>T (p.His507Tyr)

Gene: NBN (nibrin; minus strand). Cytogenetic location: 8q21.3.
Variant type: single nucleotide variant.
Coding change: c.1519C>T on transcript NM_002485.5 (MANE Select); coding-DNA position 1519, C replaced by T.
Protein change: p.His507Tyr; replaces histidine 507 with tyrosine.
Molecular consequence: missense variant.
Genome position (GRCh38, 1-based): chr8:89,953,570, G>A on the plus strand (C>T on the coding strand, the complement: NBN is on the minus strand). VCF-style: chr8-89953570-G-A. GRCh37 (hg19) VCF-style: chr8-90965798-G-A.
Other names: c.1273C>T, p.His425Tyr (NM_001024688.3); short protein forms H507Y, H425Y.
Identifiers: ClinVar variation 530737 (VCV000530737.8), dbSNP rs1554558456, ClinGen allele CA371655681.